The following is an entry in ClinVar:

NM_020631.6(PLEKHG5):c.1826C>A (p.Thr609Lys)

Gene: PLEKHG5 (pleckstrin homology and RhoGEF domain containing G5; minus strand). Cytogenetic location: 1p36.31.
Variant type: single nucleotide variant.
Coding change: c.1826C>A on transcript NM_020631.6 (MANE Select); coding-DNA position 1826, C replaced by A.
Protein change: p.Thr609Lys; replaces threonine 609 with lysine.
Molecular consequence: missense variant.
Genome position (GRCh38, 1-based): chr1:6,469,651, G>T on the plus strand (C>A on the coding strand, the complement: PLEKHG5 is on the minus strand). VCF-style: chr1-6469651-G-T. GRCh37 (hg19) VCF-style: chr1-6529711-G-T.
Other names: c.1937C>A, p.Thr646Lys (NM_001042663.3, NM_001265592.2); c.1826C>A, p.Thr609Lys (NM_001042664.2, NM_001042665.2, NM_001265594.3 and 1 more transcripts); c.2033C>A, p.Thr678Lys (NM_001265593.2); short protein forms T609K, T678K, T646K.
Identifiers: ClinVar variation 245844 (VCV000245844.2), dbSNP rs553151077, ClinGen allele CA10584153.

ClinVar aggregate classification (germline): Uncertain significance (1 of 4 stars; one submission).

Submission:

GeneDx
Classification: Uncertain significance. Last evaluated: 2015-08-03. Review status: criteria provided, single submitter. Criteria: GeneDx Variant Classification (06012015). Collection method: clinical testing. Allele origin: germline. Affected: yes.
Comment: The T609K variant has not been published as pathogenic, nor has it been reported as a benign polymorphism to our knowledge. It was not observed in approximately 6,500 individuals of European and African American ancestry in the NHLBI Exome Sequencing Project, indicating it is not a common benign variant in these populations. The T609K variant is a semi-conservative amino acid substitution, which may impact secondary protein structure as these residues differ in some properties. This substitution occurs at a position that is conserved across species, and in silico analysis predicts this variant is probably damaging to the protein structure/function. However, missense variants associated with neuropathy have not been reported in this region of the protein (Stenson et al., 2014). Therefore, based on the currently available information, it is unclear whether this variant is a pathogenic variant or a rare benign variant.